The following is an entry in ClinVar:

ClinVar aggregate classification (germline): Uncertain significance (1 of 4 stars; one submission).

Conditions:
Pyridoxine-dependent epilepsy (EPEO4). Also called: Pyridoxine-Dependent Seizures; Pyridoxine-Dependent Epilepsy - ALDH7A1; PYRIDOXINE DEPENDENCY WITH SEIZURES; EPILEPSY, EARLY-ONSET, 4, VITAMIN B6-DEPENDENT. Identifiers: Orphanet 3006, MedGen C1849508, MONDO:0009945, OMIM 266100. Disease mechanism: loss of function.

Submission:

Labcorp Genetics (formerly Invitae), Labcorp
Classification: Uncertain significance for Pyridoxine-dependent epilepsy. Last evaluated: 2022-04-18. Review status: criteria provided, single submitter. Criteria: Invitae Variant Classification Sherloc (09022015). Collection method: clinical testing. Allele origin: germline.
Comment: Advanced modeling of protein sequence and biophysical properties (such as structural, functional, and spatial information, amino acid conservation, physicochemical variation, residue mobility, and thermodynamic stability) performed at Invitae indicates that this missense variant is expected to disrupt ALDH7A1 protein function. In summary, the available evidence is currently insufficient to determine the role of this variant in disease. Therefore, it has been classified as a Variant of Uncertain Significance. This variant has not been reported in the literature in individuals affected with ALDH7A1-related conditions. This variant is not present in population databases (gnomAD no frequency). This sequence change replaces aspartic acid, which is acidic and polar, with histidine, which is basic and polar, at codon 256 of the ALDH7A1 protein (p.Asp256His).

NM_001182.5(ALDH7A1):c.766G>C (p.Asp256His)

Gene: ALDH7A1 (aldehyde dehydrogenase 7 family member A1; minus strand). Cytogenetic location: 5q23.2.
Variant type: single nucleotide variant.
Coding change: c.766G>C on transcript NM_001182.5 (MANE Select); coding-DNA position 766, G replaced by C.
Protein change: p.Asp256His; replaces aspartic acid 256 with histidine.
Molecular consequence: missense variant.
Genome position (GRCh38, 1-based): chr5:126,570,789, C>G on the plus strand (G>C on the coding strand, the complement: ALDH7A1 is on the minus strand). VCF-style: chr5-126570789-C-G. GRCh37 (hg19) VCF-style: chr5-125906481-C-G.
Other names: c.682G>C, p.Asp228His (NM_001201377.2); c.766G>C, p.Asp256His (NM_001202404.2); short protein forms D228H, D256H.
Identifiers: ClinVar variation 2135848 (VCV002135848.4), dbSNP rs2480304562, ClinGen allele CA360730060.